The following is an entry in ClinVar:

ClinVar aggregate classification (germline): Uncertain significance. Review status: criteria provided, multiple submitters, no conflicts (2 of 4 stars). 2 submissions from 2 submitters: Uncertain significance (2). Last evaluated 2025-04-13.

Conditions:
Cardiovascular phenotype. Identifiers: MedGen CN230736.
Dilated cardiomyopathy 1KK (CMD1KK). Identifiers: Orphanet 154, Orphanet 75249, MedGen C3714995, MONDO:0014100, OMIM 615248.

gnomAD v4.1: 1 of 1,612,674 alleles (0.000062%); highest among the groups gnomAD compares: Non-Finnish European, 0.000085%; no homozygotes.

Submissions (2):

Ambry Genetics
Classification: Uncertain significance for Cardiovascular phenotype. Last evaluated: 2025-04-13. Review status: criteria provided, single submitter. Criteria: Ambry Variant Classification Scheme 2023. Collection method: clinical testing. Allele origin: germline.
Comment: The p.A8P variant (also known as c.22G>C), located in coding exon 1 of the MYPN gene, results from a G to C substitution at nucleotide position 22. The alanine at codon 8 is replaced by proline, an amino acid with highly similar properties. This amino acid position is conserved. In addition, this alteration is predicted to be tolerated by in silico analysis. Based on the available evidence, the clinical significance of this variant remains unclear.

Labcorp Genetics (formerly Invitae), Labcorp
Classification: Uncertain significance for Dilated cardiomyopathy 1KK. Last evaluated: 2022-11-08. Review status: criteria provided, single submitter. Criteria: Invitae Variant Classification Sherloc (09022015). Collection method: clinical testing. Allele origin: germline.
Comment: This variant has not been reported in the literature in individuals affected with MYPN-related conditions. Algorithms developed to predict the effect of missense changes on protein structure and function are either unavailable or do not agree on the potential impact of this missense change (SIFT: "Deleterious"; PolyPhen-2: "Benign"; Align-GVGD: "Class C0"). ClinVar contains an entry for this variant (Variation ID: 1348029). This variant is not present in population databases (gnomAD no frequency). This sequence change replaces alanine, which is neutral and non-polar, with proline, which is neutral and non-polar, at codon 8 of the MYPN protein (p.Ala8Pro). In summary, the available evidence is currently insufficient to determine the role of this variant in disease. Therefore, it has been classified as a Variant of Uncertain Significance.

NM_032578.4(MYPN):c.22G>C (p.Ala8Pro)

Gene: MYPN (myopalladin; plus strand). Cytogenetic location: 10q21.3.
Variant type: single nucleotide variant.
Coding change: c.22G>C on transcript NM_032578.4 (MANE Select); coding-DNA position 22, G replaced by C.
Protein change: p.Ala8Pro; replaces alanine 8 with proline.
Molecular consequence: missense variant. On other transcripts: 5 prime UTR variant (1), non-coding transcript variant (1).
Genome position (GRCh38, 1-based): chr10:68,121,460, G>C. VCF-style: chr10-68121460-G-C. GRCh37 (hg19) VCF-style: chr10-69881217-G-C.
Other names: c.22G>C (NM_032578.2); c.22G>C, p.Ala8Pro (NM_001256267.2); c.-1101G>C (NM_001256268.2); short protein forms A8P.
Identifiers: ClinVar variation 1348029 (VCV001348029.7), dbSNP rs2042239747, ClinGen allele CA377103449.
Genomic context (GRCh38, chr10:68,121,460, plus strand): 5'-AATGATCCAAACTTTTTGTTATTATTATTTTGTGACAGCATGCAAGACGACAGCATAGAA[G>C]CTTCTACTTCCATATCTCAGCTTCTAAGAGAGAGCTATTTAGCTGAAACCAGACATCGGG-3'
Protein context (NP_115967.2, residues 1-18): MQDDSIE[Ala8Pro]STSISQLLRE